The following is an entry in ClinVar:

ClinVar aggregate classification (germline): Uncertain significance. Review status: criteria provided, multiple submitters, no conflicts (2 of 4 stars). 2 submissions from 2 submitters: Uncertain significance (2). Last evaluated 2025-02-27.

Conditions:
RYR1-related disorder. Also called: RYR1-related condition; RYR1-related disorders. Identifiers: MedGen CN239331.

Submissions (2):

Labcorp Genetics (formerly Invitae), Labcorp
Classification: Uncertain significance for RYR1-related disorder. Last evaluated: 2025-02-27. Review status: criteria provided, single submitter. Criteria: Invitae Variant Classification Sherloc (09022015). Collection method: clinical testing. Allele origin: germline.
Comment: This sequence change replaces alanine, which is neutral and non-polar, with valine, which is neutral and non-polar, at codon 612 of the RYR1 protein (p.Ala612Val). This variant is not present in population databases (gnomAD no frequency). This variant has not been reported in the literature in individuals affected with RYR1-related conditions. Invitae Evidence Modeling of protein sequence and biophysical properties (such as structural, functional, and spatial information, amino acid conservation, physicochemical variation, residue mobility, and thermodynamic stability) indicates that this missense variant is expected to disrupt RYR1 protein function with a positive predictive value of 95%. In summary, the available evidence is currently insufficient to determine the role of this variant in disease. Therefore, it has been classified as a Variant of Uncertain Significance.

Blueprint Genetics
Classification: Uncertain significance. Last evaluated: 2020-05-12. Review status: criteria provided, single submitter. Criteria: ACMG Guidelines, 2015. Collection method: clinical testing. Allele origin: germline.

NM_000540.3(RYR1):c.1835C>T (p.Ala612Val)

Gene: RYR1 (ryanodine receptor 1; plus strand). Cytogenetic location: 19q13.2.
Variant type: single nucleotide variant.
Coding change: c.1835C>T on transcript NM_000540.3 (MANE Select); coding-DNA position 1835, C replaced by T.
Protein change: p.Ala612Val; replaces alanine 612 with valine.
Molecular consequence: missense variant.
Genome position (GRCh38, 1-based): chr19:38,457,540, C>T. VCF-style: chr19-38457540-C-T. GRCh37 (hg19) VCF-style: chr19-38948180-C-T.
Other names: c.1835C>T, p.Ala612Val (NM_001042723.2); short protein forms A612V.
Identifiers: ClinVar variation 4754679 (VCV004754679.2).
Genomic context (GRCh38, chr19:38,457,540, plus strand): 5'-CTGACCTTGACCTCTAGGTCCTGGACGTGCTATGCTCCCTGTGTGTGTGTAATGGTGTGG[C>T]TGTACGCTCCAACCAAGATCTTATTACTGAGAACTTGCTGCCTGGCCGTGAGCTTCTGCT-3'
Protein context (NP_000531.2, residues 602-622): LCSLCVCNGV[Ala612Val]VRSNQDLITE